The following is an entry in ClinVar:

ClinVar aggregate classification (germline): Uncertain significance (1 of 4 stars; one submission).

Conditions:
Intellectual developmental disorder, X-linked 19. Also called: Intellectual disability, X-linked 19. Identifiers: Orphanet 777, MedGen C0796225, MONDO:0010447, OMIM 300844.
Coffin-Lowry syndrome (CLS). Also called: COFFIN-LOWRY SYNDROME, MILD; Mental retardation with osteocartilaginous abnormalities. Identifiers: Orphanet 192, MedGen C0265252, MONDO:0010561, OMIM 303600.

Allele frequency attached by ClinVar (database versions not stated): TOPMed 0.00002.

Submission:

Labcorp Genetics (formerly Invitae), Labcorp
Classification: Uncertain significance for Coffin-Lowry syndrome; Intellectual developmental disorder, X-linked 19. Last evaluated: 2025-12-03. Review status: criteria provided, single submitter. Criteria: Invitae Variant Classification Sherloc (09022015). Collection method: clinical testing. Allele origin: germline.
Comment: This sequence change falls in intron 21 of the RPS6KA3 gene. It does not directly change the encoded amino acid sequence of the RPS6KA3 protein. It affects a nucleotide within the consensus splice site. This variant is not present in population databases (gnomAD no frequency). This variant has not been reported in the literature in individuals affected with RPS6KA3-related conditions. ClinVar contains an entry for this variant (Variation ID: 2420432). Variants that disrupt the consensus splice site are a relatively common cause of aberrant splicing (PMID: 17576681, 9536098). Algorithms developed to predict the effect of sequence changes on RNA splicing suggest that this variant is not likely to affect RNA splicing. In summary, the available evidence is currently insufficient to determine the role of this variant in disease. Therefore, it has been classified as a Variant of Uncertain Significance.

Literature cited by the submitters: PubMed 17576681; PubMed 9536098.

NM_004586.3(RPS6KA3):c.2100+5G>A

Gene: RPS6KA3 (ribosomal protein S6 kinase A3; minus strand). Cytogenetic location: Xp22.12.
Variant type: single nucleotide variant.
Coding change: c.2100+5G>A on transcript NM_004586.3 (MANE Select); 5 bases into the intron after coding-DNA position 2100, G replaced by A.
Molecular consequence: intron variant.
Genome position (GRCh38, 1-based): chrX:20,156,104, C>T on the plus strand (G>A on the coding strand, the complement: RPS6KA3 is on the minus strand). VCF-style: chrX-20156104-C-T. GRCh37 (hg19) VCF-style: chrX-20174222-C-T.
Identifiers: ClinVar variation 2420432 (VCV002420432.8), dbSNP rs1481860898, ClinGen allele CA873778297.